The following is an entry in ClinVar:

ClinVar aggregate classification (germline): Uncertain significance (1 of 4 stars; one submission).

Conditions:
Arginine:glycine amidinotransferase deficiency (CCDS3). Also called: Cerebral creatine deficiency syndrome 3; AGAT deficiency; L-Arginine:Glycine Amidinotransferase (AGAT) Deficiency; L-Arginine:Glycine Amidinotransferase Deficiency; Creatine deficiency syndrome due to AGAT deficiency; GATM deficiency. Identifiers: Orphanet 35704, MedGen C2675179, MONDO:0012996, OMIM 612718.

gnomAD v4.1: 3 of 1,613,908 alleles (0.00019%); highest among the groups gnomAD compares: African/African-American, 0.004%; no homozygotes.

Submission:

Labcorp Genetics (formerly Invitae), Labcorp
Classification: Uncertain significance for Arginine:glycine amidinotransferase deficiency. Last evaluated: 2024-05-23. Review status: criteria provided, single submitter. Criteria: Invitae Variant Classification Sherloc (09022015). Collection method: clinical testing. Allele origin: germline.
Comment: This sequence change replaces aspartic acid, which is acidic and polar, with tyrosine, which is neutral and polar, at codon 226 of the GATM protein (p.Asp226Tyr). This variant is not present in population databases (gnomAD no frequency). This variant has not been reported in the literature in individuals affected with GATM-related conditions. ClinVar contains an entry for this variant (Variation ID: 2125923). An algorithm developed to predict the effect of missense changes on protein structure and function (PolyPhen-2) suggests that this variant is likely to be tolerated. Algorithms developed to predict the effect of sequence changes on RNA splicing suggest that this variant may disrupt the consensus splice site. In summary, the available evidence is currently insufficient to determine the role of this variant in disease. Therefore, it has been classified as a Variant of Uncertain Significance.

NM_001482.3(GATM):c.676G>T (p.Asp226Tyr)

Gene: GATM (glycine amidinotransferase; minus strand). Cytogenetic location: 15q21.1.
Variant type: single nucleotide variant.
Coding change: c.676G>T on transcript NM_001482.3 (MANE Select); coding-DNA position 676, G replaced by T.
Protein change: p.Asp226Tyr; replaces aspartic acid 226 with tyrosine.
Molecular consequence: missense variant.
Genome position (GRCh38, 1-based): chr15:45,366,508, C>A on the plus strand (G>T on the coding strand, the complement: GATM is on the minus strand). VCF-style: chr15-45366508-C-A. GRCh37 (hg19) VCF-style: chr15-45658706-C-A.
Other names: c.289G>T, p.Asp97Tyr (NM_001321015.2); short protein forms D226Y, D97Y.
Identifiers: ClinVar variation 2125923 (VCV002125923.4), dbSNP rs2541989296, ClinGen allele CA392259531.
Genomic context (GRCh38, chr15:45,366,508, plus strand): 5'-TCACAAATTTTCCCTGAGCAGCCAATTTGTGTCTGTCTTCTACAGAGTGGATGGGATAAT[C>A]CTAATTGGAACAAGAATGAACACACACAATGCACTGGATCATGAGAAAATTATTCATAAG-3'
Protein context (NP_001473.1, residues 216-236): PTMADELYNQ[Asp226Tyr]YPIHSVEDRH